The following is an entry in ClinVar:

NM_080680.3(COL11A2):c.358G>A (p.Val120Ile)

Gene: COL11A2 (collagen type XI alpha 2 chain; minus strand). Cytogenetic location: 6p21.32.
Variant type: single nucleotide variant.
Coding change: c.358G>A on transcript NM_080680.3 (MANE Select); coding-DNA position 358, G replaced by A.
Protein change: p.Val120Ile; replaces valine 120 with isoleucine.
Molecular consequence: missense variant.
Genome position (GRCh38, 1-based): chr6:33,189,063, C>T on the plus strand (G>A on the coding strand, the complement: COL11A2 is on the minus strand). VCF-style: chr6-33189063-C-T. GRCh37 (hg19) VCF-style: chr6-33156840-C-T.
Other names: c.358G>A, p.Val120Ile (NM_080681.3, NM_001163771.2, NM_080679.3); short protein forms V120I.
Identifiers: ClinVar variation 2519763 (VCV002519763.5), dbSNP rs752468281, ClinGen allele CA3751686.

ClinVar aggregate classification (germline): Uncertain significance. Review status: criteria provided, multiple submitters, no conflicts (2 of 4 stars). 2 submissions from 2 submitters: Uncertain significance (2). Last evaluated 2023-05-26.

Conditions:
Inborn genetic diseases. Identifiers: MedGen C0950123, MeSH D030342.

Allele frequency attached by ClinVar (database versions not stated): gnomAD exomes below 0.00001; ExAC 0.00002; gnomAD 0.00003; TOPMed 0.00003.
gnomAD v4.1: 5 of 1,614,090 alleles (0.00031%); highest among the groups gnomAD compares: African/African-American, 0.0067%; no homozygotes.

Submissions (2):

Ambry Genetics
Classification: Uncertain significance for Inborn genetic diseases. Last evaluated: 2023-05-26. Review status: criteria provided, single submitter. Criteria: Ambry Variant Classification Scheme 2023. Collection method: clinical testing. Allele origin: germline.

Labcorp Genetics (formerly Invitae), Labcorp
Classification: Uncertain significance. Last evaluated: 2022-11-02. Review status: criteria provided, single submitter. Criteria: Invitae Variant Classification Sherloc (09022015). Collection method: clinical testing. Allele origin: germline.
Comment: In summary, the available evidence is currently insufficient to determine the role of this variant in disease. Therefore, it has been classified as a Variant of Uncertain Significance. Advanced modeling of protein sequence and biophysical properties (such as structural, functional, and spatial information, amino acid conservation, physicochemical variation, residue mobility, and thermodynamic stability) performed at Invitae indicates that this missense variant is not expected to disrupt COL11A2 protein function. This variant has not been reported in the literature in individuals affected with COL11A2-related conditions. This variant is present in population databases (rs752468281, gnomAD 0.01%). This sequence change replaces valine, which is neutral and non-polar, with isoleucine, which is neutral and non-polar, at codon 120 of the COL11A2 protein (p.Val120Ile).